The following is an entry in ClinVar:

ClinVar aggregate classification (germline): Likely benign. Review status: criteria provided, multiple submitters, no conflicts (2 of 4 stars). 2 submissions from 2 submitters: Likely benign (2). Last evaluated 2026-01-24.

Conditions:
Pontocerebellar hypoplasia type 9. Identifiers: Orphanet 369920, MedGen C4014354, MONDO:0014351, OMIM 615809.
Hereditary spastic paraplegia 63. Also called: Spastic paraplegia 63, autosomal recessive. Identifiers: Orphanet 401805, MedGen C3810295, MONDO:0014305, OMIM 615686.

Allele frequency attached by ClinVar (database versions not stated): gnomAD exomes 0.00002; ExAC 0.00005; TOPMed 0.00013; gnomAD 0.00015 and 0.00016; 1000 Genomes Project 30x 0.00016; 1000 Genomes Project 0.00020.
gnomAD v4.1: 65 of 1,613,922 alleles (0.004%); highest among the groups gnomAD compares: African/African-American, 0.068%; 1 homozygote.

Submissions (2):

Labcorp Genetics (formerly Invitae), Labcorp
Classification: Likely benign for Pontocerebellar hypoplasia type 9; Hereditary spastic paraplegia 63. Last evaluated: 2026-01-24. Review status: criteria provided, single submitter. Criteria: Invitae Variant Classification Sherloc (09022015). Collection method: clinical testing. Allele origin: germline.

CeGaT Center for Human Genetics Tuebingen
Classification: Likely benign. Last evaluated: 2025-07-01. Review status: criteria provided, single submitter. Criteria: CeGaT Center For Human Genetics Tuebingen Variant Classification Criteria Version 2. Collection method: clinical testing. Allele origin: germline. Affected: yes. Observed: 1 variant allele.
Comment: AMPD2: BP4, BP7

NM_001368809.2(AMPD2):c.219C>T (p.Ala73=)

Gene: AMPD2 (adenosine monophosphate deaminase 2; plus strand). Cytogenetic location: 1p13.3.
Variant type: single nucleotide variant.
Coding change: c.219C>T on transcript NM_001368809.2 (MANE Select); coding-DNA position 219, C replaced by T.
Protein change: p.Ala73=; no amino-acid change (alanine 73 retained).
Molecular consequence: synonymous variant. On other transcripts: intron variant (1).
Genome position (GRCh38, 1-based): chr1:109,625,430, C>T. VCF-style: chr1-109625430-C-T. GRCh37 (hg19) VCF-style: chr1-110168052-C-T.
Other names: c.27C>T, p.Ala9= (NM_001257361.2); c.219C>T, p.Ala73= (NM_004037.9); c.138C>T, p.Ala46= (NM_139156.4); c.160-232C>T (NM_001308170.1); c.381C>T (NM_001257360.1).
Identifiers: ClinVar variation 703839 (VCV000703839.17), dbSNP rs140683735, ClinGen allele CA992705.